The following is an entry in ClinVar:

ClinVar aggregate classification (germline): Pathogenic (1 of 4 stars; one submission).

Submission:

Labcorp Genetics (formerly Invitae), Labcorp
Classification: Pathogenic. Last evaluated: 2024-08-13. Review status: criteria provided, single submitter. Criteria: Invitae Variant Classification Sherloc (09022015). Collection method: clinical testing. Allele origin: germline.
Comment: This sequence change creates a premature translational stop signal (p.Glu397Aspfs*5) in the CEP63 gene. It is expected to result in an absent or disrupted protein product. Loss-of-function variants in CEP63 are known to be pathogenic (PMID: 21983783, 23936128, 26158450). This variant is not present in population databases (gnomAD no frequency). This variant has not been reported in the literature in individuals affected with CEP63-related conditions. For these reasons, this variant has been classified as Pathogenic.

Literature cited by the submitters: PubMed 21983783; PubMed 23936128; PubMed 26158450.

NM_001353108.3(CEP63):c.1191_1195del (p.Glu397fs)

Gene: CEP63 (centrosomal protein 63; plus strand). Cytogenetic location: 3q22.2.
Variant type: Deletion.
Coding change: c.1191_1195del on transcript NM_001353108.3 (MANE Select); coding-DNA positions 1191 to 1195, 5 bases deleted (ACAGA; older notation c.1191_1195delACAGA).
Protein change: p.Glu397fs; shifts the reading frame from glutamic acid 397.
Molecular consequence: frameshift variant. On other transcripts: non-coding transcript variant (4).
Genome position (GRCh38, 1-based): chr3:134,550,071-134,550,075, ACAGA deleted; deleting any 5 consecutive bases within chr3:134,550,068-134,550,075 gives the same sequence; the c. name uses the placement nearest the transcript's 3' end. VCF-style (leftmost placement, unchanged base first): chr3-134550067-AAGAAC-A. GRCh37 (hg19) VCF-style: chr3-134268909-AAGAAC-A.
Other names: c.1191_1195del, p.Glu397fs (NM_001042400.3, NM_001353110.1, NM_001353111.2 and 4 more transcripts); c.1053_1057del, p.Glu351fs (NM_001353109.1, NM_001042383.2, NM_001042384.2 and 6 more transcripts); c.1080_1084del, p.Glu360fs (NM_001353118.1); c.969_973del, p.Glu323fs (NM_001353125.2); c.690_694del, p.Glu230fs (NM_001353126.2); short protein forms E351fs, E323fs, E230fs, E360fs, E397fs.
Identifiers: ClinVar variation 3661692 (VCV003661692.2).
Genomic context (GRCh38, chr3:134,550,067, plus strand): 5'-TTCTATCTAAATGCTTTCTCTTAACTTTTGGTGCTTTCTTTTCTGCTTCTTTATAGTTGA[AAGAAC>A]AGATTTTACAGGGTGAACAAAGTTACAGTTCTGCACTAGAAGGAATGAAGATGGAAATCT-3'